The following continues an entry in ClinVar:

NM_000070.3(CAPN3):c.1746-20C>G

Gene: CAPN3. ClinVar aggregate classification (germline): Pathogenic. Pathogenic (1).

Submissions 12 to 23 of 23:

Athena Diagnostics
Classification: Pathogenic. Last evaluated: 2025-07-23. Review status: criteria provided, single submitter. Criteria: Athena Diagnostics Criteria. Collection method: clinical testing. Allele origin: unknown. Not counted in ClinVar's aggregate classification.
Comment: The frequency of this variant in the general population is consistent with pathogenicity. This variant appears to segregate with autosomal recessive LGMD in at least one family. In multiple individuals presenting with LGMD, this variant has been seen with a single recessive pathogenic variant in the same gene, suggesting this variant may be pathogenic (PMID: 35731190, 34720847, 27447704, 24803842). However, this variant has also been detected homozygous in reportedly healthy individuals (PMID: 35731190, 27884173). Experimental evidence regarding the impact of this variant on splicing is conflicting. This variant has been reported to alter normal mRNA splicing in some publications (PMID: 35731190, 20635405, 34863162), yet not in another (PMID: 17979987). However, all of these studies have methodological limitations and cannot be viewed as providing conclusive results. CAPN3 protein was found to be absent or significantly reduced in samples taken from multiple individuals carrying this variant (PMID: 34720847, 20635405).

Revvity Omics, Revvity
Classification: Uncertain significance. Last evaluated: 2025-07-18. Review status: criteria provided, single submitter. Criteria: ACMG Guidelines, 2015. Collection method: clinical testing. Allele origin: germline. Not counted in ClinVar's aggregate classification.

First Genomix Gene Laboratory, Genetic Diagnostics Department
Classification: Likely pathogenic for Autosomal recessive limb-girdle muscular dystrophy type 2A. Last evaluated: 2025-05-23. Review status: criteria provided, single submitter. Criteria: ACMG Guidelines, 2015. Collection method: clinical testing. Allele origin: germline. Inheritance: Autosomal recessive inheritance. Affected: no. Observed: 1 variant allele. Not counted in ClinVar's aggregate classification.

Laboratory of Genetics, Children's Clinical University Hospital Latvia
Classification: Likely pathogenic. Last evaluated: 2025-02-16. Review status: criteria provided, single submitter. Criteria: ACMG Guidelines, 2015. Collection method: clinical testing. Allele origin: germline. Affected: yes. Not counted in ClinVar's aggregate classification.

Blueprint Genetics
Classification: Likely benign. Last evaluated: 2024-11-27. Review status: criteria provided, single submitter. Criteria: ACMG Guidelines, 2015. Collection method: clinical testing. Allele origin: germline. Not counted in ClinVar's aggregate classification.

Centre of Medical Genetics, University Hospital Muenster
Classification: Uncertain significance. Last evaluated: 2024-07-15. Review status: criteria provided, single submitter. Criteria: ACMG Guidelines, 2015. Collection method: clinical testing. Allele origin: unknown. Affected: yes. Observed: 1 variant allele, 1 heterozygote. Not counted in ClinVar's aggregate classification.
Comment: ACMG categories: PM3,BS2

Department of Pathology and Laboratory Medicine, Sinai Health System
Classification: Uncertain significance for Autosomal recessive limb-girdle muscular dystrophy type 2A; Muscular dystrophy, limb-girdle, autosomal dominant 4. Last evaluated: 2023-08-29. Review status: criteria provided, single submitter. Criteria: ACMG Guidelines, 2015. Collection method: research. Allele origin: germline. Not counted in ClinVar's aggregate classification.

Institute for Clinical Genetics, University Hospital TU Dresden, University Hospital TU Dresden
Classification: Uncertain significance. Last evaluated: 2023-05-31. Review status: criteria provided, single submitter. Criteria: ACMG Guidelines, 2015. Collection method: clinical testing. Allele origin: germline. Not counted in ClinVar's aggregate classification.
Comment: PP4, PS3

Eurofins Ntd Llc (ga)
Classification: Likely benign. Last evaluated: 2016-11-23. Review status: criteria provided, single submitter. Criteria: EGL Classification Definitions 2015. Collection method: clinical testing. Allele origin: germline. Observed: 5 variant alleles, 5 heterozygotes. Not counted in ClinVar's aggregate classification.

Natera, Inc.
Classification: Uncertain significance for Limb-girdle muscular dystrophy type 2A. Last evaluated: 2020-04-17. Review status: no assertion criteria provided. Collection method: clinical testing. Allele origin: germline. Not counted in ClinVar's aggregate classification.

Counsyl
Classification: Uncertain significance for Autosomal recessive limb-girdle muscular dystrophy type 2A. Last evaluated: 2017-12-18. Review status: no assertion criteria provided. Collection method: clinical testing. Allele origin: unknown. Not counted in ClinVar's aggregate classification.

Centre for Mendelian Genomics, University Medical Centre Ljubljana
Classification: Pathogenic for Absent muscle fiber calpain-3; Gait disturbance; EMG: neuropathic changes; Elevated circulating creatine kinase activity; Migraine; Paresthesia; Positive Romberg sign; Progressive spinal muscular atrophy. Last evaluated: 2017-01-01. Review status: flagged submission. Criteria: ACMG Guidelines, 2015. Collection method: clinical testing. Allele origin: unknown. Affected: yes. Not counted in ClinVar's aggregate classification.
ClinVar note: Reason: Outlier claim with insufficient supporting evidence

Literature cited by the submitters: PubMed 17157502 (cited by Labcorp Genetics (formerly Invitae), Labcorp and Women's Health and Genetics/Laboratory Corporation of America, LabCorp); PubMed 17979987 (cited by 4 submitters); PubMed 20635405 (cited by 5 submitters); PubMed 27708273 (cited by 3 submitters); PubMed 35731190 (cited by 4 submitters); PubMed 37589857 (cited by 4 submitters); PubMed 16411092 (cited by 3 submitters); PubMed 22158424 (cited by Labcorp Genetics (formerly Invitae), Labcorp); PubMed 37931111 (cited by Labcorp Genetics (formerly Invitae), Labcorp); PubMed 27884173 (cited by Women's Health and Genetics/Laboratory Corporation of America, LabCorp and Athena Diagnostics); PubMed 16141003 (cited by Women's Health and Genetics/Laboratory Corporation of America, LabCorp and Counsyl); PubMed 26301378 (cited by Women's Health and Genetics/Laboratory Corporation of America, LabCorp and Counsyl); PubMed 28877744 (cited by Women's Health and Genetics/Laboratory Corporation of America, LabCorp); PubMed 38758368 (cited by Athena Diagnostics); PubMed 30028523 (cited by Athena Diagnostics); PubMed 38391941 (cited by Athena Diagnostics); PubMed 30919934 (cited by Athena Diagnostics); PubMed 34405919 (cited by Athena Diagnostics); PubMed 15726252 (cited by Athena Diagnostics); PubMed 26886200 (cited by Athena Diagnostics); PubMed 31788660 (cited by Athena Diagnostics); PubMed 33386810 (cited by Athena Diagnostics); PubMed 37526466 (cited by Athena Diagnostics); PubMed 34720847 (cited by Athena Diagnostics); PubMed 34863162 (cited by Athena Diagnostics); PubMed 24803842 (cited by Counsyl); PubMed 17236769 (cited by Counsyl); PubMed 25135358 (cited by Counsyl); PubMed 18055493 (cited by Counsyl).